The following is an entry in ClinVar:

NM_032888.4(COL27A1):c.4938+3A>G

Gene: COL27A1 (collagen type XXVII alpha 1 chain; plus strand). Cytogenetic location: 9q32.
Variant type: single nucleotide variant.
Coding change: c.4938+3A>G on transcript NM_032888.4 (MANE Select); 3 bases into the intron after coding-DNA position 4938, A replaced by G.
Molecular consequence: intron variant.
Genome position (GRCh38, 1-based): chr9:114,304,676, A>G. VCF-style: chr9-114304676-A-G. GRCh37 (hg19) VCF-style: chr9-117066956-A-G.
Identifiers: ClinVar variation 1979608 (VCV001979608.4), dbSNP rs775977106, ClinGen allele CA5203219.
Genomic context (GRCh38, chr9:114,304,676, plus strand): 5'-TGATCTTGGGGCAGCTTTCCAGACGTGGATGGACACCAGTGGAGCACTCAGGCCAGAGGT[A>G]TCTCCAGGGGCTCTCCCCATGTGGGATCCCTTCCTGGGAGAAACGCAAATAGATAATGGC-3'

ClinVar aggregate classification (germline): Uncertain significance (1 of 4 stars; one submission).

Allele frequency attached by ClinVar (database versions not stated): gnomAD exomes below 0.00001; ExAC 0.00002.

Submission:

Labcorp Genetics (formerly Invitae), Labcorp
Classification: Uncertain significance. Last evaluated: 2024-01-22. Review status: criteria provided, single submitter. Criteria: Invitae Variant Classification Sherloc (09022015). Collection method: clinical testing. Allele origin: germline.
Comment: This sequence change falls in intron 57 of the COL27A1 gene. It does not directly change the encoded amino acid sequence of the COL27A1 protein. It affects a nucleotide within the consensus splice site. This variant is present in population databases (rs775977106, gnomAD 0.009%). This variant has not been reported in the literature in individuals affected with COL27A1-related conditions. ClinVar contains an entry for this variant (Variation ID: 1979608). Variants that disrupt the consensus splice site are a relatively common cause of aberrant splicing (PMID: 17576681, 9536098). Algorithms developed to predict the effect of sequence changes on RNA splicing suggest that this variant may disrupt the consensus splice site. In summary, the available evidence is currently insufficient to determine the role of this variant in disease. Therefore, it has been classified as a Variant of Uncertain Significance.

Literature cited by the submitters: PubMed 17576681; PubMed 9536098.